The following is an entry in ClinVar:

ClinVar aggregate classification (germline): Benign/Likely benign. Review status: criteria provided, multiple submitters, no conflicts (2 of 4 stars). 7 submissions from 7 submitters: Benign (2); Likely benign (5). Last evaluated 2026-02-01.

Conditions:
Inborn genetic diseases. Identifiers: MedGen C0950123, MeSH D030342.
Autosomal dominant childhood-onset proximal spinal muscular atrophy with contractures (SMALED2A). Also called: Spinal muscular atrophy, lower extremity-predominant, 2A, autosomal dominant; SPINAL MUSCULAR ATROPHY, LOWER EXTREMITY-PREDOMINANT, 2A, CHILDHOOD ONSET, AUTOSOMAL DOMINANT. Identifiers: Orphanet 363447, Orphanet 363454, MedGen C4747715, MONDO:0014121, OMIM 615290.

Allele frequency attached by ClinVar (database versions not stated): 1000 Genomes Project 30x 0.00016; 1000 Genomes Project 0.00020; gnomAD exomes 0.00066 and 0.00101; gnomAD 0.00076 and 0.00078; TOPMed 0.00085; ExAC 0.00151.
gnomAD v4.1: 1,571 of 1,590,136 alleles (0.099%); highest among the groups gnomAD compares: Non-Finnish European, 0.11%; 3 homozygotes.

Submissions (7):

CeGaT Center for Human Genetics Tuebingen
Classification: Likely benign. Last evaluated: 2026-02-01. Review status: criteria provided, single submitter. Criteria: CeGaT Center For Human Genetics Tuebingen Variant Classification Criteria Version 2. Collection method: clinical testing. Allele origin: germline. Affected: yes. Observed: 4 variant alleles.
Comment: BICD2: BP4, BP7

Labcorp Genetics (formerly Invitae), Labcorp
Classification: Benign for Autosomal dominant childhood-onset proximal spinal muscular atrophy with contractures. Last evaluated: 2026-01-13. Review status: criteria provided, single submitter. Criteria: Invitae Variant Classification Sherloc (09022015). Collection method: clinical testing. Allele origin: germline.

Mayo Clinic Laboratories, Mayo Clinic
Classification: Likely benign. Last evaluated: 2025-05-12. Review status: criteria provided, single submitter. Criteria: ACMG Guidelines, 2015. Collection method: clinical testing. Allele origin: germline. Observed: 3 variant alleles.
Comment: BP4, BP7

ARUP Laboratories, Molecular Genetics and Genomics, ARUP Laboratories
Classification: Benign. Last evaluated: 2025-04-16. Review status: criteria provided, single submitter. Criteria: ARUP Molecular Germline Variant Investigation Process 2024. Collection method: clinical testing. Allele origin: germline.

Blueprint Genetics
Classification: Likely benign. Last evaluated: 2024-11-27. Review status: criteria provided, single submitter. Criteria: ACMG Guidelines, 2015. Collection method: clinical testing. Allele origin: germline.

GeneDx
Classification: Likely benign. Last evaluated: 2021-04-16. Review status: criteria provided, single submitter. Criteria: GeneDx Variant Classification Process June 2021. Collection method: clinical testing. Allele origin: germline. Affected: yes.

Ambry Genetics
Classification: Likely benign for Inborn genetic diseases. Last evaluated: 2019-07-11. Review status: criteria provided, single submitter. Criteria: Ambry Variant Classification Scheme 2023. Collection method: clinical testing. Allele origin: germline.

NM_001003800.2(BICD2):c.72C>G (p.Ala24=)

Gene: BICD2 (BICD cargo adaptor 2; minus strand). Cytogenetic location: 9q22.31.
Variant type: single nucleotide variant.
Coding change: c.72C>G on transcript NM_001003800.2 (MANE Select); coding-DNA position 72, C replaced by G.
Protein change: p.Ala24=; no amino-acid change (alanine 24 retained).
Molecular consequence: synonymous variant.
Genome position (GRCh38, 1-based): chr9:92,764,673, G>C on the plus strand (C>G on the coding strand, the complement: BICD2 is on the minus strand). VCF-style: chr9-92764673-G-C. GRCh37 (hg19) VCF-style: chr9-95526955-G-C.
Other names: p.Ala24=; c.72C>G, p.Ala24= (NM_015250.4).
Identifiers: ClinVar variation 386984 (VCV000386984.62), dbSNP rs545512590, ClinGen allele CA5126887.
Genomic context (GRCh38, chr9:92,764,673, plus strand): 5'-GGCCGCCTGGATCTTCTCACGCGTGGTCTCGGCCAGCTCGTGGGACAGCCGCTTCACCTC[G>C]GCGCGCAGCCACTCCGGCTGCGCCTCCATCACCAGCCGCGCGTACTCCTCCTCCTCCGAC-3'
Protein context (NP_001003800.1, residues 14-34): VMEAQPEWLR[Ala24=]EVKRLSHELA